The following is an entry in ClinVar:

NM_001042492.3(NF1):c.1310_1313del (p.Val437fs)

Gene: NF1 (neurofibromin 1; plus strand). Cytogenetic location: 17q11.2.
Variant type: Deletion.
Coding change: c.1310_1313del on transcript NM_001042492.3 (MANE Select); coding-DNA positions 1310 to 1313, 4 bases deleted (TTGA; older notation c.1310_1313delTTGA).
Protein change: p.Val437fs; shifts the reading frame from valine 437.
Molecular consequence: frameshift variant.
Genome position (GRCh38, 1-based): chr17:31,206,289-31,206,292, TTGA deleted. VCF-style (leftmost placement, unchanged base first): chr17-31206288-GTTGA-G. GRCh37 (hg19) VCF-style: chr17-29533306-GTTGA-G.
Other names: c.1310_1313delTTGA, p.Val437Aspfs (NM_000267.4); c.1310_1313del, p.Val437fs (NM_001128147.3); short protein forms V437fs.
Identifiers: ClinVar variation 3644235 (VCV003644235.2).
Genomic context (GRCh38, chr17:31,206,288, plus strand): 5'-GTTTTTCTCTAGTCCGCATTGGATTGGTGGCCTAAGATTGATGCTGTGTATTGTCACTCG[GTTGA>G]ACTTCGAAATATGTTTGGTGAAACACTTCATAAAGCAGTGCAAGGTTGTGGAGCACACCC-3'

ClinVar aggregate classification (germline): Pathogenic (1 of 4 stars; one submission).

Conditions:
Neurofibromatosis, type 1 (NF1). Also called: Peripheral type neurofibromatosis; VON RECKLINGHAUSEN DISEASE; Neurofibromatosis, type I; NEUROFIBROMATOSIS, TYPE I, SOMATIC. Identifiers: Orphanet 636, MedGen C0027831, MONDO:0018975, OMIM 162200. Disease mechanism: loss of function.

Submission:

Labcorp Genetics (formerly Invitae), Labcorp
Classification: Pathogenic for Neurofibromatosis, type 1. Last evaluated: 2024-03-02. Review status: criteria provided, single submitter. Criteria: Invitae Variant Classification Sherloc (09022015). Collection method: clinical testing. Allele origin: germline.
Comment: This sequence change creates a premature translational stop signal (p.Val437Aspfs*35) in the NF1 gene. It is expected to result in an absent or disrupted protein product. Loss-of-function variants in NF1 are known to be pathogenic (PMID: 10712197, 23913538). This variant is not present in population databases (gnomAD no frequency). This variant has not been reported in the literature in individuals affected with NF1-related conditions. For these reasons, this variant has been classified as Pathogenic.

Literature cited by the submitters: PubMed 10712197; PubMed 23913538.